The following is an entry in ClinVar:

NM_001009944.3(PKD1):c.10601C>T (p.Ala3534Val)

Genes: PKD1 (polycystin 1, transient receptor potential channel interacting; minus strand), PKD1-AS1 (PKD1 antisense RNA 1; plus strand). Cytogenetic location: 16p13.3.
Variant type: single nucleotide variant.
Coding change: c.10601C>T on transcript NM_001009944.3 (MANE Select); coding-DNA position 10601, C replaced by T.
Protein change: p.Ala3534Val; replaces alanine 3534 with valine.
Molecular consequence: missense variant.
Genome position (GRCh38, 1-based): chr16:2,094,109, G>A on the plus strand (C>T on the coding strand, the complement: PKD1 is on the minus strand). VCF-style: chr16-2094109-G-A. GRCh37 (hg19) VCF-style: chr16-2144110-G-A.
Other names: c.10598C>T, p.Ala3533Val (NM_000296.4); short protein forms A3533V, A3534V.
Identifiers: ClinVar variation 2445837 (VCV002445837.2), dbSNP rs550305727, ClinGen allele CA7829508.

ClinVar aggregate classification (germline): Uncertain significance. Review status: criteria provided, multiple submitters, no conflicts (2 of 4 stars). 2 submissions from 2 submitters: Uncertain significance (2). Last evaluated 2023-02-14.

Allele frequency attached by ClinVar (database versions not stated): TOPMed 0.00002; gnomAD exomes 0.00006; gnomAD 0.00013; 1000 Genomes Project 30x 0.00016; 1000 Genomes Project 0.00020; ExAC 0.00024.
gnomAD v4.1: 102 of 1,589,046 alleles (0.0064%); highest among the groups gnomAD compares: Middle Eastern, 0.05%; 1 homozygote.

Submissions (2):

Women's Health and Genetics/Laboratory Corporation of America, LabCorp
Classification: Uncertain significance. Last evaluated: 2023-02-14. Review status: criteria provided, single submitter. Criteria: LabCorp Variant Classification Summary - May 2015. Collection method: clinical testing. Allele origin: germline.
Comment: Variant summary: PKD1 c.10601C>T (p.Ala3534Val) results in a non-conservative amino acid change in the encoded protein sequence. Three of four in-silico tools predict a benign effect of the variant on protein function. The variant allele was found at a frequency of 0.00018 in 206948 control chromosomes (gnomAD). c.10601C>T has been reported in the literature in an individual affected with Polycystic Kidney Disease (example: Senum_PKD1_AJHG_2021). No clinical diagnostic laboratories have submitted clinical-significance assessments for this variant to ClinVar after 2014. Based on the evidence outlined above, the variant was classified as uncertain significance.

Breakthrough Genomics
Classification: Uncertain significance. Review status: criteria provided, single submitter. Criteria: ACMG Guidelines, 2015. Collection method: not provided. Allele origin: germline. Inheritance: Autosomal dominant inheritance. Affected: yes.

Literature cited by the submitters: PubMed 34890546 (cited by Women's Health and Genetics/Laboratory Corporation of America, LabCorp).